The following is an entry in ClinVar:

ClinVar aggregate classification (germline): Uncertain significance (1 of 4 stars; one submission).

Conditions:
Inborn genetic diseases. Identifiers: MedGen C0950123, MeSH D030342.

Submission:

Ambry Genetics
Classification: Uncertain significance for Inborn genetic diseases. Last evaluated: 2025-08-25. Review status: criteria provided, single submitter. Criteria: Ambry Variant Classification Scheme 2023. Collection method: clinical testing. Allele origin: germline.
Comment: The p.E405K variant (also known as c.1213G>A), located in coding exon 7 of the ERCC6L2 gene, results from a G to A substitution at nucleotide position 1213. The glutamic acid at codon 405 is replaced by lysine, an amino acid with similar properties. This amino acid position is conserved. In addition, this alteration is predicted to be tolerated by in silico analysis. Based on the available evidence, the clinical significance of this variant remains unclear.

NM_020207.7(ERCC6L2):c.1213G>A (p.Glu405Lys)

Gene: ERCC6L2 (ERCC excision repair 6 like 2; plus strand). Cytogenetic location: 9q22.32.
Variant type: single nucleotide variant.
Coding change: c.1213G>A on transcript NM_020207.7 (MANE Select); coding-DNA position 1213, G replaced by A.
Protein change: p.Glu405Lys; replaces glutamic acid 405 with lysine.
Molecular consequence: missense variant. On other transcripts: non-coding transcript variant (1).
Genome position (GRCh38, 1-based): chr9:95,921,229, G>A. VCF-style: chr9-95921229-G-A. GRCh37 (hg19) VCF-style: chr9-98683511-G-A.
Other names: c.1213G>A, p.Glu405Lys (NM_001010895.4, NM_001375291.1, NM_001375292.1 and 2 more transcripts); short protein forms E405K.
Identifiers: ClinVar variation 4250635 (VCV004250635.1).